The following is an entry in ClinVar:

NM_139058.3(ARX):c.1354A>G (p.Ser452Gly)

Gene: ARX (aristaless related homeobox; minus strand). Cytogenetic location: Xp21.3.
Variant type: single nucleotide variant.
Coding change: c.1354A>G on transcript NM_139058.3 (MANE Select); coding-DNA position 1354, A replaced by G.
Protein change: p.Ser452Gly; replaces serine 452 with glycine.
Molecular consequence: missense variant.
Genome position (GRCh38, 1-based): chrX:25,007,205, T>C on the plus strand (A>G on the coding strand, the complement: ARX is on the minus strand). VCF-style: chrX-25007205-T-C. GRCh37 (hg19) VCF-style: chrX-25025322-T-C.
Other names: short protein forms S452G.
Identifiers: ClinVar variation 1717574 (VCV001717574.6), dbSNP rs2519101555, ClinGen allele CA412611189.

ClinVar aggregate classification (germline): Uncertain significance (1 of 4 stars; one submission).

Conditions:
Developmental and epileptic encephalopathy, 1 (DEE1). Also called: Epileptic encephalopathy, early infantile, 1; INFANTILE SPASM SYNDROME, X-LINKED 1; X-linked infantile spasms; West's syndrome; Tonic spasms with clustering, arrest of psychomotor development and hypsarrhythmia on EEG; X-Linked Infantile Spasm Syndrome. Identifiers: MedGen C3463992, MONDO:0010632, OMIM 308350. Disease mechanism: loss of function.
Intellectual disability, X-linked, with or without seizures, ARX-related. Also called: INTELLECTUAL DEVELOPMENTAL DISORDER, X-LINKED 29; MENTAL RETARDATION, X-LINKED 29; MENTAL RETARDATION, X-LINKED 32; MENTAL RETARDATION, X-LINKED 33; MENTAL RETARDATION, X-LINKED 38; MENTAL RETARDATION, X-LINKED 43. Identifiers: Orphanet 777, MedGen C0796244, MONDO:0010317, OMIM 300419.

Submission:

Labcorp Genetics (formerly Invitae), Labcorp
Classification: Uncertain significance for Developmental and epileptic encephalopathy, 1; Intellectual disability, X-linked, with or without seizures, ARX-related. Last evaluated: 2022-08-22. Review status: criteria provided, single submitter. Criteria: Invitae Variant Classification Sherloc (09022015). Collection method: clinical testing. Allele origin: germline.
Comment: In summary, the available evidence is currently insufficient to determine the role of this variant in disease. Therefore, it has been classified as a Variant of Uncertain Significance. Advanced modeling of protein sequence and biophysical properties (such as structural, functional, and spatial information, amino acid conservation, physicochemical variation, residue mobility, and thermodynamic stability) performed at Invitae indicates that this missense variant is not expected to disrupt ARX protein function. This variant has not been reported in the literature in individuals affected with ARX-related conditions. This variant is not present in population databases (gnomAD no frequency). This sequence change replaces serine, which is neutral and polar, with glycine, which is neutral and non-polar, at codon 452 of the ARX protein (p.Ser452Gly).